The following is an entry in ClinVar:

NM_000136.3(FANCC):c.1109A>G (p.His370Arg)

Genes: AOPEP (aminopeptidase O (putative); plus strand), FANCC (FA complementation group C; minus strand). Cytogenetic location: 9q22.32.
Variant type: single nucleotide variant.
Coding change: c.1109A>G on transcript NM_000136.3 (MANE Select); coding-DNA position 1109, A replaced by G.
Protein change: p.His370Arg; replaces histidine 370 with arginine.
Molecular consequence: missense variant.
Genome position (GRCh38, 1-based): chr9:95,114,674, T>C on the plus strand (A>G on the coding strand, the complement: FANCC is on the minus strand). VCF-style: chr9-95114674-T-C. GRCh37 (hg19) VCF-style: chr9-97876956-T-C.
Other names: c.1109A>G, p.His370Arg (NM_001243743.2, NM_001243744.2); short protein forms H370R.
Identifiers: ClinVar variation 4022421 (VCV004022421.1).
Genomic context (GRCh38, chr9:95,114,674, plus strand): 5'-TCAGTGTTTGCTCACCCATGAGTCTGGTCTTCAACTGCTTCTCTGAGCAGTTCAGAAATA[T>C]GCTTCAGTGTCTGGAGCCAGTGTCCCCGAGGGATATCTGCGGGTGGAGAGAGATACGTCA-3'
Protein context (NP_000127.2, residues 360-380): PRGHWLQTLK[His370Arg]ISELLREAVE

ClinVar aggregate classification (germline): Uncertain significance (1 of 4 stars; one submission).

Conditions:
Hereditary cancer-predisposing syndrome. Also called: Tumor predisposition; Hereditary neoplastic syndrome; Neoplastic Syndromes, Hereditary; Hereditary Cancer Syndrome. Identifiers: Orphanet 140162, MedGen C0027672, MeSH D009386, MONDO:0015356.

gnomAD v4.1: 2 of 1,614,216 alleles (0.00012%); highest among the groups gnomAD compares: South Asian, 0.0011%; no homozygotes.

Submission:

Ambry Genetics
Classification: Uncertain significance for Hereditary cancer-predisposing syndrome. Last evaluated: 2025-05-17. Review status: criteria provided, single submitter. Criteria: Ambry Variant Classification Scheme 2023. Collection method: clinical testing. Allele origin: germline.
Comment: The p.H370R variant (also known as c.1109A>G), located in coding exon 11 of the FANCC gene, results from an A to G substitution at nucleotide position 1109. The histidine at codon 370 is replaced by arginine, an amino acid with highly similar properties. This amino acid position is conserved. In addition, this alteration is predicted to be tolerated by in silico analysis. Based on the available evidence, the clinical significance of this variant remains unclear.